The following is an entry in ClinVar:

ClinVar aggregate classification (germline): Conflicting classifications of pathogenicity. Review status: criteria provided, conflicting classifications (1 of 4 stars). 7 submissions from 7 submitters: Uncertain significance (4); Likely benign (2). 1 of the submissions does not count toward it. Last evaluated 2026-03-03.

Conditions:
Fanconi anemia, complementation group S (FANCS). Identifiers: MedGen C4554406, MONDO:0054748, OMIM 617883.
Hereditary cancer-predisposing syndrome. Also called: Tumor predisposition; Neoplastic Syndromes, Hereditary; Hereditary Cancer Syndrome; Hereditary neoplastic syndrome. Identifiers: Orphanet 140162, MedGen C0027672, MeSH D009386, MONDO:0015356.
Hereditary breast ovarian cancer syndrome. Also called: Hereditary breast and ovarian cancer syndrome (HBOC); Hereditary breast and ovarian cancer syndrome; Hereditary breast and ovarian cancer; Hereditary breast and/or ovarian cancer syndrome; Breast and ovarian cancer; BRCA1- and BRCA2-Associated Hereditary Breast and Ovarian Cancer. Identifiers: Orphanet 145, MedGen C0677776, MeSH D061325, MONDO:0003582. Disease mechanism: loss of function.
Breast-ovarian cancer, familial, susceptibility to, 1 (BROVCA1). Also called: OVARIAN CANCER, SUSCEPTIBILITY TO; BRCA1 Hereditary Breast and Ovarian Cancer. Identifiers: Orphanet 145, MedGen C2676676, MONDO:0011450, OMIM 604370. Disease mechanism: loss of function.

gnomAD v4.1: 4 of 1,613,618 alleles (0.00025%); highest among the groups gnomAD compares: African/African-American, 0.0027%; no homozygotes.

Submissions (7):

Myriad Genetics, Inc.
Classification: Likely benign for Breast-ovarian cancer, familial, susceptibility to, 1. Last evaluated: 2026-03-03. Review status: criteria provided, single submitter. Criteria: Myriad Autosomal Dominant, Autosomal Recessive and X-Linked Classification Criteria (2023). Collection method: clinical testing. Allele origin: unknown.
Comment: This variant is considered likely benign. This variant is strongly associated with less severe personal and family histories of cancer, typical for individuals without pathogenic variants in this gene [PMID: 25085752].

Labcorp Genetics (formerly Invitae), Labcorp
Classification: Uncertain significance for Hereditary breast ovarian cancer syndrome. Last evaluated: 2025-05-17. Review status: criteria provided, single submitter. Criteria: Invitae Variant Classification Sherloc (09022015). Collection method: clinical testing. Allele origin: germline.
Comment: This sequence change replaces alanine, which is neutral and non-polar, with serine, which is neutral and polar, at codon 807 of the BRCA1 protein (p.Ala807Ser). This variant is not present in population databases (gnomAD no frequency). This variant has not been reported in the literature in individuals affected with BRCA1-related conditions. ClinVar contains an entry for this variant (Variation ID: 54564). Invitae Evidence Modeling of protein sequence and biophysical properties (such as structural, functional, and spatial information, amino acid conservation, physicochemical variation, residue mobility, and thermodynamic stability) has been performed for this missense variant. However, the output from this modeling did not meet the statistical confidence thresholds required to predict the impact of this variant on BRCA1 protein function. In summary, the available evidence is currently insufficient to determine the role of this variant in disease. Therefore, it has been classified as a Variant of Uncertain Significance.

Ambry Genetics
Classification: Uncertain significance for Hereditary cancer-predisposing syndrome. Last evaluated: 2024-02-24. Review status: criteria provided, single submitter. Criteria: Ambry Variant Classification Scheme 2023. Collection method: clinical testing. Allele origin: germline.
Comment: The p.A807S variant (also known as c.2419G>T), located in coding exon 9 of the BRCA1 gene, results from a G to T substitution at nucleotide position 2419. The alanine at codon 807 is replaced by serine, an amino acid with similar properties. This amino acid position is well conserved in available vertebrate species. In addition, the in silico prediction for this alteration is inconclusive. Since supporting evidence is limited at this time, the clinical significance of this alteration remains unclear.

University of Washington Department of Laboratory Medicine, University of Washington
Classification: Likely benign for Hereditary cancer-predisposing syndrome. Last evaluated: 2023-03-23. Review status: criteria provided, single submitter. Criteria: Dines et al. (Genet Med. 2020). Collection method: curation. Allele origin: germline.
Comment: Missense variant in a coldspot region where missense variants are very unlikely to be pathogenic (PMID:31911673).

BRCA1 coldspot (exon 11 using historical exon numbering). Reclassification based on statistical prior probability

Department of Pathology and Laboratory Medicine, Sinai Health System
Classification: Uncertain significance for Fanconi anemia, complementation group S. Last evaluated: 2022-08-24. Review status: criteria provided, single submitter. Criteria: ACMG Guidelines, 2015. Collection method: clinical testing. Allele origin: germline. Affected: yes.

Women's Health and Genetics/Laboratory Corporation of America, LabCorp
Classification: Uncertain significance. Last evaluated: 2019-10-11. Review status: criteria provided, single submitter. Criteria: LabCorp Variant Classification Summary - May 2015. Collection method: clinical testing. Allele origin: germline.
Comment: Variant summary: BRCA1 c.2419G>T (p.Ala807Ser) results in a conservative amino acid change in the encoded protein sequence. Three of five in-silico tools predict a benign effect of the variant on protein function. The variant was absent in 250570 control chromosomes (gnomAD). The available data on variant occurrences in the general population are insufficient to allow any conclusion about variant significance. To our knowledge, no occurrence of c.2419G>T in individuals affected with Hereditary Breast and Ovarian Cancer and no experimental evidence demonstrating its impact on protein function have been reported. No clinical diagnostic laboratories have submitted clinical-significance assessments for this variant to ClinVar after 2014. Based on the evidence outlined above, the variant was classified as uncertain significance.

Breast Cancer Information Core (BIC) (BRCA1)
Classification: Uncertain significance for Breast-ovarian cancer, familial 1. Last evaluated: 2002-05-29. Review status: no assertion criteria provided. Collection method: clinical testing. Allele origin: germline. Affected: yes. Observed: 1 variant allele. Not counted in ClinVar's aggregate classification.

Literature cited by the submitters: PubMed 25085752 (cited by Myriad Genetics, Inc.); PubMed 15235020 (cited by Ambry Genetics and Women's Health and Genetics/Laboratory Corporation of America, LabCorp); PubMed 16518693 (cited by Women's Health and Genetics/Laboratory Corporation of America, LabCorp); PubMed 25782689 (cited by Women's Health and Genetics/Laboratory Corporation of America, LabCorp).

NM_007294.4(BRCA1):c.2419G>T (p.Ala807Ser)

Gene: BRCA1 (BRCA1 DNA repair associated; minus strand). Cytogenetic location: 17q21.31.
Variant type: single nucleotide variant.
Coding change: c.2419G>T on transcript NM_007294.4 (MANE Select); coding-DNA position 2419, G replaced by T.
Protein change: p.Ala807Ser; replaces alanine 807 with serine.
Molecular consequence: missense variant. On other transcripts: intron variant (137).
Genome position (GRCh38, 1-based): chr17:43,093,112, C>A on the plus strand (G>T on the coding strand, the complement: BRCA1 is on the minus strand). VCF-style: chr17-43093112-C-A. GRCh37 (hg19) VCF-style: chr17-41245129-C-A.
Other names: c.2278G>T, p.Ala760Ser (NM_001407734.1, NM_001407735.1, NM_001407736.1 and 29 more transcripts); c.2275G>T, p.Ala759Ser (NM_001407740.1, NM_001407741.1, NM_001407742.1 and 20 more transcripts); c.2206G>T, p.Ala736Ser (NM_001407853.1, NM_001407894.1, NM_001407895.1 and 9 more transcripts); c.2419G>T, p.Ala807Ser (NM_001407854.1, NM_001407858.1, NM_001407859.1 and 30 more transcripts); c.2416G>T, p.Ala806Ser (NM_001407860.1, NM_001407861.1, NM_001407587.1 and 22 more transcripts); c.2218G>T, p.Ala740Ser (NM_001407862.1); c.2296G>T, p.Ala766Ser (NM_001407863.1, NM_001407919.1, NM_001407937.1 and 19 more transcripts); c.2215G>T, p.Ala739Ser (NM_001407874.1, NM_001407875.1); and 41 more; short protein forms A807S, A760S, A680S, A695S, A736S, A765S, A781S, A511S.
Identifiers: ClinVar variation 54564 (VCV000054564.21), dbSNP rs80357240, ClinGen allele CA001612.
Genomic context (GRCh38, chr17:43,093,112, plus strand): 5'-CTGTGTCATTTCTATTATCTTTGGAACAACCATGAATTAGTCCCTTGGGGTTTTCAAATG[C>A]TGCACACTGACTCACACATTTATTTGGTTCTGTTTTTGCCTTCCCTAGAGTGCTAACTTC-3'
Protein context (NP_009225.1, residues 797-817): EPNKCVSQCA[Ala807Ser]FENPKGLIHG